The following is an entry in ClinVar:

ClinVar aggregate classification (germline): Uncertain significance (1 of 4 stars; one submission).

Conditions:
Cortical dysplasia-focal epilepsy syndrome (PTHSL1). Also called: Pitt-Hopkins-like syndrome 1. Identifiers: Orphanet 163681, Orphanet 221150, MedGen C2750246, MONDO:0012400, OMIM 610042.

Submission:

Labcorp Genetics (formerly Invitae), Labcorp
Classification: Uncertain significance for Cortical dysplasia-focal epilepsy syndrome. Last evaluated: 2023-08-10. Review status: criteria provided, single submitter. Criteria: Invitae Variant Classification Sherloc (09022015). Collection method: clinical testing. Allele origin: unknown.
Comment: In summary, the available evidence is currently insufficient to determine the role of this variant in disease. Therefore, it has been classified as a Variant of Uncertain Significance. Experimental studies and prediction algorithms are not available or were not evaluated, and the functional significance of this variant is currently unknown. A similar copy number variant has been observed in individual(s) with clinical features of CASPR2-related conditions (PMID: 34641913). This variant results in a copy number gain of the genomic region encompassing exon(s) 2 of the CNTNAP2 gene. While the exact position of this variant cannot be determined from the data, sub-genic copy number gains are generally in tandem (PMID: 25640679). This variant is predicted to be in-frame, and likely preserves the integrity of the reading frame.

Literature cited by the submitters: PubMed 34641913; PubMed 25640679.

NC_000007.13:g.(?_146471343)_(146471493_?)dup

Gene: CNTNAP2 (contactin associated protein 2; plus strand). Cytogenetic location: 7q35.
Variant type: Duplication.
Identifiers: ClinVar variation 3245763 (VCV003245763.1).